The following is an entry in ClinVar:

ClinVar aggregate classification (germline): Likely pathogenic. Review status: criteria provided, multiple submitters, no conflicts (2 of 4 stars). 2 submissions from 2 submitters: Likely pathogenic (2). Last evaluated 2023-12-02.

Conditions:
Heimler syndrome 1 (HMLR1). Also called: PEROXISOME BIOGENESIS DISORDER 1C. Identifiers: Orphanet 3220, MedGen C4551980, OMIM 234580, MONDO:0024544.
Zellweger spectrum disorders (ZS). Also called: Zellweger Spectrum Disorder; Zellweger Spectrum; Zellweger syndrome; Zellweger Spectrum Disorder (ZSD). Identifiers: Orphanet 912, MedGen C0043459, MONDO:0019609.

Submissions (2):

Baylor Genetics
Classification: Likely pathogenic for Heimler syndrome 1. Last evaluated: 2023-12-02. Review status: criteria provided, single submitter. Criteria: ACMG Guidelines, 2015. Collection method: clinical testing. Allele origin: unknown.

Labcorp Genetics (formerly Invitae), Labcorp
Classification: Likely pathogenic for Zellweger spectrum disorders. Last evaluated: 2019-12-20. Review status: criteria provided, single submitter. Criteria: Invitae Variant Classification Sherloc (09022015). Collection method: clinical testing. Allele origin: germline.
Comment: In summary, the currently available evidence indicates that the variant is pathogenic, but additional data are needed to prove that conclusively. Therefore, this variant has been classified as Likely Pathogenic. Loss-of-function variants in PEX1 are known to be pathogenic (PMID: 9398847, 16086329, 16141001, 21031596). Algorithms developed to predict the effect of sequence changes on RNA splicing suggest that this variant may disrupt the consensus splice site, but this prediction has not been confirmed by published transcriptional studies. This variant has not been reported in the literature in individuals with PEX1-related conditions. This variant is not present in population databases (ExAC no frequency). This variant results in the deletion of part of exon 13 (c.2072-42_2085del) of the PEX1 gene. It is expected to disrupt RNA splicing and likely results in an absent or disrupted protein product.

Literature cited by the submitters: PubMed 9398847 (cited by Labcorp Genetics (formerly Invitae), Labcorp); PubMed 16086329 (cited by Labcorp Genetics (formerly Invitae), Labcorp); PubMed 16141001 (cited by Labcorp Genetics (formerly Invitae), Labcorp); PubMed 21031596 (cited by Labcorp Genetics (formerly Invitae), Labcorp).

NM_000466.3(PEX1):c.2072-42_2085del

Gene: PEX1 (peroxisomal biogenesis factor 1; minus strand). Cytogenetic location: 7q21.2.
Variant type: Deletion.
Coding change: c.2072-42_2085del on transcript NM_000466.3 (MANE Select); 42 bases into the intron before coding-DNA position 2072 through coding-DNA position 2085, 56 bases deleted.
Molecular consequence: splice acceptor variant.
Genome position (GRCh38, 1-based): chr7:92,503,182-92,503,237, 56 bases deleted. GRCh37 (hg19): chr7:92,132,499-92,132,554.
Other names: c.1901-42_1914del (NM_001282677.2); c.1448-42_1461del (NM_001282678.2).
Identifiers: ClinVar variation 844661 (VCV000844661.9), dbSNP rs1792018845, ClinGen allele CA916082938.